The following is an entry in ClinVar:

ClinVar aggregate classification (germline): Likely pathogenic (1 of 4 stars; one submission).

Conditions:
Dilated cardiomyopathy 1G (CMD1G). Identifiers: Orphanet 154, MedGen C1858763, MONDO:0011400, OMIM 604145.

Submission:

Clinical Genomics Laboratory, Stanford Medicine
Classification: Likely pathogenic for Dilated cardiomyopathy 1G. Last evaluated: 2022-06-29. Review status: criteria provided, single submitter. Criteria: ACMG Guidelines, 2015. Collection method: clinical testing. Allele origin: germline. Inheritance: Autosomal dominant inheritance. Affected: yes. Observed: 1 variant allele, 1 heterozygote.
Comment: The p.Trp16471* variant in the TTN gene has not been previously reported in association with disease. This variant was absent from large population databases, including the Genome Aggregation Database. A different nucleotide change (c.49413G>A) resulting in an identical amino change is present in ClinVar (Accession: VCV000265700.12). This variant leads to a premature stop codon in exon 263 of 363 exons, which may cause loss of normal protein function through either protein truncation or nonsense-mediated decay. The p.Trp16471* variant is located in the A-band of the titin protein. Loss-of-function variants in the A-band have an established association with dilated cardiomyopathy (PMID: 32160020). These data were assessed using the ACMG/AMP variant interpretation guidelines. In summary, there is sufficient evidence to classify the p.Trp16471* variant as likely pathogenic for autosomal dominant dilated cardiomyopathy based on the information above. [ACMG evidence codes used: PVS1_Strong; PM2]

Literature cited by the submitters: PubMed 32160020.

NM_001267550.2(TTN):c.49413_49417del (p.Trp16471_Glu16473delinsTer)

Genes: TTN (titin; minus strand), TTN-AS1 (TTN antisense RNA 1; plus strand). Cytogenetic location: 2q31.2.
Variant type: Deletion.
Coding change: c.49413_49417del on transcript NM_001267550.2 (MANE Select); coding-DNA positions 49413 to 49417, 5 bases deleted (GTGTG; older notation c.49413_49417delGTGTG).
Protein change: p.Trp16471_Glu16473delinsTer.
Molecular consequence: nonsense. On other transcripts: frameshift variant (1).
Genome position (GRCh38, 1-based): chr2:178,613,866-178,613,870, CACAC deleted on the plus strand (GTGTG on the coding strand, the reverse complement: TTN is on the minus strand); deleting any 5 consecutive bases within chr2:178,613,866-178,613,872 gives the same sequence; the c. name uses the placement nearest the transcript's 3' end. VCF-style (leftmost placement, unchanged base first): chr2-178613865-TCACAC-T. GRCh37 (hg19) VCF-style: chr2-179478592-TCACAC-T.
Other names: c.44490_44494del, p.Trp14830_Glu14832delinsTer (NM_001256850.1); c.22218_22222del, p.Trp7406_Glu7408delinsTer (NM_003319.4); c.41709_41713del, p.Trp13903_Glu13905delinsTer (NM_133378.4); c.22593_22597del, p.Trp7531_Glu7533delinsTer (NM_133432.3); c.22794_22798del, p.Trp7598_Glu7600delinsTer (NM_133437.4); c.49413_49417delGTGTG (NM_001267550.1).
Identifiers: ClinVar variation 4852811 (VCV004852811.1).